The following is an entry in ClinVar:

ClinVar aggregate classification (germline): Uncertain significance (1 of 4 stars; one submission).

Conditions:
Sulfite oxidase deficiency due to molybdenum cofactor deficiency type C. Also called: Molybdenum cofactor deficiency, complementation group C; Molybdenum cofactor deficiency C. Identifiers: Orphanet 308400, Orphanet 833, MedGen C1854990, MONDO:0014212, OMIM 615501.

Allele frequency attached by ClinVar (database versions not stated): gnomAD 0.00001.
gnomAD v4.1: 2 of 1,612,730 alleles (0.00012%); highest among the groups gnomAD compares: Non-Finnish European, 0.00017%; no homozygotes.

Submission:

Labcorp Genetics (formerly Invitae), Labcorp
Classification: Uncertain significance for Sulfite oxidase deficiency due to molybdenum cofactor deficiency type C. Last evaluated: 2023-05-25. Review status: criteria provided, single submitter. Criteria: Invitae Variant Classification Sherloc (09022015). Collection method: clinical testing. Allele origin: germline.
Comment: Advanced modeling of protein sequence and biophysical properties (such as structural, functional, and spatial information, amino acid conservation, physicochemical variation, residue mobility, and thermodynamic stability) performed at Invitae indicates that this missense variant is not expected to disrupt GPHN protein function. This sequence change replaces isoleucine, which is neutral and non-polar, with asparagine, which is neutral and polar, at codon 173 of the GPHN protein (p.Ile173Asn). This variant is not present in population databases (gnomAD no frequency). This variant has not been reported in the literature in individuals affected with GPHN-related conditions. In summary, the available evidence is currently insufficient to determine the role of this variant in disease. Therefore, it has been classified as a Variant of Uncertain Significance.

NM_020806.5(GPHN):c.518T>A (p.Ile173Asn)

Gene: GPHN (gephyrin; plus strand). Cytogenetic location: 14q23.3.
Variant type: single nucleotide variant.
Coding change: c.518T>A on transcript NM_020806.5 (MANE Select); coding-DNA position 518, T replaced by A.
Protein change: p.Ile173Asn; replaces isoleucine 173 with asparagine.
Molecular consequence: missense variant.
Genome position (GRCh38, 1-based): chr14:66,922,727, T>A. VCF-style: chr14-66922727-T-A. GRCh37 (hg19) VCF-style: chr14-67389444-T-A.
Other names: c.518T>A, p.Ile173Asn (NM_001024218.2, NM_001377515.1, NM_001377516.1 and 2 more transcripts); c.557T>A, p.Ile186Asn (NM_001377514.1, NM_001377519.1); short protein forms I173N, I186N.
Identifiers: ClinVar variation 2720206 (VCV002720206.3), dbSNP rs1185985395, ClinGen allele CA390256118.